The following is an entry in ClinVar:

ClinVar aggregate classification (germline): Pathogenic. Review status: criteria provided, multiple submitters, no conflicts (2 of 4 stars). 2 submissions from 2 submitters: Pathogenic (2). Last evaluated 2023-03-06.

Conditions:
Cardiovascular phenotype. Identifiers: MedGen CN230736.
Hypertrophic cardiomyopathy 4. Also called: Familial hypertrophic cardiomyopathy 4. Identifiers: MedGen C1861862, MONDO:0007268, OMIM 115197.

Submissions (2):

Ambry Genetics
Classification: Pathogenic for Cardiovascular phenotype. Last evaluated: 2023-03-06. Review status: criteria provided, single submitter. Criteria: Ambry Variant Classification Scheme 2023. Collection method: clinical testing. Allele origin: germline.
Comment: The c.2766delG variant, located in coding exon 27 of the MYBPC3 gene, results from a deletion of one nucleotide at nucleotide position 2766, causing a translational frameshift with a predicted alternate stop codon (p.L923*). This variant is considered to be rare based on population cohorts in the Genome Aggregation Database (gnomAD). This alteration is expected to result in loss of function by premature protein truncation or nonsense-mediated mRNA decay. As such, this alteration is interpreted as a disease-causing mutation.

Center of Genomic medicine, Geneva, University Hospital of Geneva
Classification: Pathogenic for Hypertrophic cardiomyopathy 4. Last evaluated: 2018-04-13. Review status: criteria provided, single submitter. Criteria: ACMG Guidelines, 2015. Collection method: clinical testing. Allele origin: germline. Affected: yes.

NM_000256.3(MYBPC3):c.2766del (p.Gly922_Leu923insTer)

Gene: MYBPC3 (myosin binding protein C3; minus strand). Cytogenetic location: 11p11.2.
Variant type: Deletion.
Coding change: c.2766del on transcript NM_000256.3 (MANE Select); coding-DNA position 2766, one base deleted (G; older notation c.2766delG).
Protein change: p.Gly922_Leu923insTer.
Molecular consequence: frameshift variant.
Genome position (GRCh38, 1-based): chr11:47,335,181, C deleted on the plus strand (G on the coding strand, the reverse complement: MYBPC3 is on the minus strand); the first of 4 consecutive C bases (chr11:47,335,181-47,335,184); deleting any one gives the same sequence. VCF-style (leftmost placement, unchanged base first): chr11-47335180-GC-G. GRCh37 (hg19) VCF-style: chr11-47356731-GC-G.
Other names: c.2766delG (NM_000256.3).
Identifiers: ClinVar variation 627591 (VCV000627591.5), dbSNP rs1565624196, ClinGen allele CA913190265.